The following is an entry in ClinVar:

NM_004444.5(EPHB4):c.1123G>T (p.Gly375Ter)

Gene: EPHB4 (EPH receptor B4; minus strand). Cytogenetic location: 7q22.1.
Variant type: single nucleotide variant.
Coding change: c.1123G>T on transcript NM_004444.5 (MANE Select); coding-DNA position 1123, G replaced by T.
Protein change: p.Gly375Ter; replaces glycine 375 with a stop codon.
Molecular consequence: nonsense.
Genome position (GRCh38, 1-based): chr7:100,819,731, C>A on the plus strand (G>T on the coding strand, the complement: EPHB4 is on the minus strand). VCF-style: chr7-100819731-C-A. GRCh37 (hg19) VCF-style: chr7-100417353-C-A.
Other names: short protein forms G375*.
Identifiers: ClinVar variation 691537 (VCV000691537.1), dbSNP rs1484547615, ClinGen allele CA368576399.

ClinVar aggregate classification (germline): Pathogenic (1 of 4 stars; one submission).

Conditions:
Capillary malformation-arteriovenous malformation 2 (CMAVM2). Identifiers: Orphanet 693912, MedGen C4748670, MONDO:0020785, OMIM 618196.

Submission:

SIB Swiss Institute of Bioinformatics
Classification: Pathogenic for Capillary malformation-arteriovenous malformation 2. Last evaluated: 2019-03-29. Review status: criteria provided, single submitter. Criteria: ACMG Guidelines, 2015. Collection method: curation. Allele origin: unknown.
Comment: This variant is interpreted as a Pathogenic for Capillary malformation-arteriovenous malformation 2. The following ACMG Tag(s) were applied: PM2: Absent from controls (or at extremely low frequency if recessive) in Exome Sequencing Project, 1000 Genomes Project, or Exome Aggregation Consortium. PVS1: Predicted nullvariant in a gene where LOF is a known mechanism of disease. PP1-Moderate: Cosegregation with disease in multiple affected family members in a gene definitively known to cause the disease.

Literature cited by the submitters: PubMed 28687708.